The following is an entry in ClinVar:

ClinVar aggregate classification (germline): Conflicting classifications of pathogenicity. Review status: criteria provided, conflicting classifications (1 of 4 stars). 2 submissions from 2 submitters: Pathogenic (1); Uncertain significance (1). Last evaluated 2026-07-27.

Conditions:
Colorectal cancer, hereditary nonpolyposis, type 7. Identifiers: Orphanet 144, MedGen C1858380, MONDO:0013725, OMIM 614385.

Submissions (2):

Myriad Genetics, Inc.
Classification: Pathogenic for Colorectal cancer, hereditary nonpolyposis, type 7. Last evaluated: 2026-07-27. Review status: criteria provided, single submitter. Criteria: Myriad Autosomal Dominant, Autosomal Recessive and X-Linked Classification Criteria (2023). Collection method: clinical testing. Allele origin: unknown.
Comment: This variant is considered pathogenic. This variant creates a frameshift predicted to result in premature protein truncation.

Labcorp Genetics (formerly Invitae), Labcorp
Classification: Uncertain significance for Colorectal cancer, hereditary nonpolyposis, type 7. Last evaluated: 2023-05-05. Review status: criteria provided, single submitter. Criteria: Invitae Variant Classification Sherloc (09022015). Collection method: clinical testing. Allele origin: germline.
Comment: This variant is present in population databases (no rsID available, gnomAD 0.01%). This sequence change creates a premature translational stop signal (p.Leu864Phefs*4) in the MLH3 gene. It is expected to result in an absent or disrupted protein product. However, the current clinical and genetic evidence is not sufficient to establish whether loss-of-function variants in MLH3 cause disease. This variant has not been reported in the literature in individuals affected with MLH3-related conditions. In summary, the available evidence is currently insufficient to determine the role of this variant in disease. Therefore, it has been classified as a Variant of Uncertain Significance.

NM_001040108.2(MLH3):c.2591dup (p.Leu864fs)

Gene: MLH3 (mutL homolog 3; minus strand). Cytogenetic location: 14q24.3.
Variant type: Duplication.
Coding change: c.2591dup on transcript NM_001040108.2 (MANE Select); coding-DNA position 2591, one base duplicated (T; older notation c.2591dupT).
Protein change: p.Leu864fs; shifts the reading frame from leucine 864.
Molecular consequence: frameshift variant.
Genome position (GRCh38, 1-based): chr14:75,047,065, A duplicated on the plus strand (T on the coding strand, the reverse complement: MLH3 is on the minus strand); the first of 3 consecutive A bases (chr14:75,047,065-75,047,067); duplicating any one gives the same sequence. VCF-style (leftmost placement, unchanged base first): chr14-75047064-C-CA. GRCh37 (hg19) VCF-style: chr14-75513767-C-CA.
Other names: c.2591dup, p.Leu864fs (NM_014381.3); short protein forms L864fs.
Identifiers: ClinVar variation 2874781 (VCV002874781.4), dbSNP rs1221355003, ClinGen allele CA615194113.
Genomic context (GRCh38, chr14:75,047,064, plus strand): 5'-TTCGGAACCCTTCAGTCTGGATAATTTAGAGGCTAGTGATTCAGATGACTTCTCAAGGTC[C>CA]AAAGGTTTTCTATTAAAGAGAGATAACTCCTTCAGGGTCATAGGACTTTCTCTCAAACTA-3'